The following is an entry in ClinVar:

ClinVar aggregate classification (germline): Uncertain significance. Review status: criteria provided, multiple submitters, no conflicts (2 of 4 stars). 3 submissions from 3 submitters: Uncertain significance (3). Last evaluated 2025-10-14.

Conditions:
Aortic aneurysm, familial thoracic 7 (AAT7). Also called: AORTIC DISSECTION, FAMILIAL, WITH OR WITHOUT AORTIC ANEURYSM. Identifiers: MedGen C3151077, MONDO:0013418, OMIM 613780.
Megacystis-microcolon-intestinal hypoperistalsis syndrome 1. Identifiers: MedGen C5542316, MONDO:0100354, OMIM 249210.

Allele frequency attached by ClinVar (database versions not stated): gnomAD exomes below 0.00001; gnomAD 0.00001.
gnomAD v4.1: 3 of 1,614,188 alleles (0.00019%); highest among the groups gnomAD compares: Non-Finnish European, 0.00025%; no homozygotes.

Submissions (3):

Labcorp Genetics (formerly Invitae), Labcorp
Classification: Uncertain significance for Aortic aneurysm, familial thoracic 7. Last evaluated: 2025-10-14. Review status: criteria provided, single submitter. Criteria: Invitae Variant Classification Sherloc (09022015). Collection method: clinical testing. Allele origin: germline.
Comment: This sequence change replaces asparagine, which is neutral and polar, with histidine, which is basic and polar, at codon 1698 of the MYLK protein (p.Asn1698His). This variant is present in population databases (no rsID available, gnomAD 0.0009%). This variant has not been reported in the literature in individuals affected with MYLK-related conditions. ClinVar contains an entry for this variant (Variation ID: 1320709). Invitae Evidence Modeling of protein sequence and biophysical properties (such as structural, functional, and spatial information, amino acid conservation, physicochemical variation, residue mobility, and thermodynamic stability) indicates that this missense variant is not expected to disrupt MYLK protein function with a negative predictive value of 95%. In summary, the available evidence is currently insufficient to determine the role of this variant in disease. Therefore, it has been classified as a Variant of Uncertain Significance.

Fulgent Genetics
Classification: Uncertain significance for Megacystis-microcolon-intestinal hypoperistalsis syndrome 1; Aortic aneurysm, familial thoracic 7. Last evaluated: 2021-11-17. Review status: criteria provided, single submitter. Criteria: ACMG Guidelines, 2015. Collection method: clinical testing. Allele origin: unknown.

GeneDx
Classification: Uncertain significance. Last evaluated: 2019-04-08. Review status: criteria provided, single submitter. Criteria: GeneDx Variant Classification Process June 2021. Collection method: clinical testing. Allele origin: germline. Affected: yes.
Comment: Has not been previously published as pathogenic or benign to our knowledge; In silico analysis, which includes protein predictors and evolutionary conservation, supports that this variant does not alter protein structure/function; Not observed at a significant frequency in large population cohorts (Lek et al., 2016)

NM_053025.4(MYLK):c.5092A>C (p.Asn1698His)

Genes: MYLK (myosin light chain kinase; minus strand), MYLK-AS1 (MYLK antisense RNA 1; plus strand), LOC126806791 (MED14-independent group 3 enhancer GRCh37_chr3:123347871-123349070; plus strand). Cytogenetic location: 3q21.1.
Variant type: single nucleotide variant.
Coding change: c.5092A>C on transcript NM_053025.4 (MANE Select); coding-DNA position 5092, A replaced by C.
Protein change: p.Asn1698His; replaces asparagine 1698 with histidine.
Molecular consequence: missense variant. On other transcripts: non-coding transcript variant (2), intron variant (2).
Genome position (GRCh38, 1-based): chr3:123,629,496, T>G on the plus strand (A>C on the coding strand, the complement: MYLK is on the minus strand). VCF-style: chr3-123629496-T-G. GRCh37 (hg19) VCF-style: chr3-123348343-T-G.
Other names: c.4564A>C, p.Asn1522His (NM_001321309.2); c.4885A>C, p.Asn1629His (NM_053026.4); c.4755-2555A>C (NM_053028.4); c.4962-2555A>C (NM_053027.4); short protein forms N1522H, N1629H, N1698H.
Identifiers: ClinVar variation 1320709 (VCV001320709.5), dbSNP rs1375643348, ClinGen allele CA354233144.